The following is an entry in ClinVar:

ClinVar aggregate classification (germline): Uncertain significance. Review status: criteria provided, single submitter (1 of 4 stars). 2 submissions from 2 submitters: Uncertain significance (1). 1 of the submissions does not count toward it. Last evaluated 2026-08-04.

Conditions:
GNPTAB-mucolipidosis. Also called: UDP-N-acetylglucosamine-1-phosphotransferase subunit alpha/beta deficiency. Identifiers: MedGen CN322573, MONDO:0100122.
Mucolipidosis. Also called: Mucolipidoses. Identifiers: Orphanet 79212, MedGen C0026697, MONDO:0019248.

Submissions (2):

Myriad Genetics, Inc.
Classification: Uncertain significance for GNPTAB-mucolipidosis. Last evaluated: 2026-08-04. Review status: criteria provided, single submitter. Criteria: Myriad Autosomal Dominant, Autosomal Recessive and X-Linked Classification Criteria (2023). Collection method: clinical testing. Allele origin: unknown.
Comment: NM_024312.4(GNPTAB):c.77G>A(G26D) is a missense variant classified as a variant of uncertain significance in the context of GNPTAB-related disorders. G26D has been observed in a case with relevant disease (PMID: 39710647). Relevant functional assessments of this variant are available in the literature (PMID: 32220096). G26D has not been observed in referenced population frequency databases. In summary, there is insufficient evidence to classify NM_024312.4(GNPTAB):c.77G>A(G26D) as pathogenic or benign. Please note: this variant was assessed in the context of healthy population screening.

Department of Genetics and Endocrinology, Guangzhou Women and Children’s Medical Center
Classification: Pathogenic for Mucolipidosis. Review status: no assertion criteria provided. Collection method: research. Allele origin: unknown. Affected: yes. Not counted in ClinVar's aggregate classification.

Literature cited by the submitters: PubMed 32220096 (cited by Myriad Genetics, Inc.); PubMed 39710647 (cited by Myriad Genetics, Inc.).

NM_024312.5(GNPTAB):c.77G>A (p.Gly26Asp)

Gene: GNPTAB (N-acetylglucosamine-1-phosphate transferase subunits alpha and beta; minus strand). Cytogenetic location: 12q23.2.
Variant type: single nucleotide variant.
Coding change: c.77G>A on transcript NM_024312.5 (MANE Select); coding-DNA position 77, G replaced by A.
Protein change: p.Gly26Asp; replaces glycine 26 with aspartic acid.
Molecular consequence: missense variant.
Genome position (GRCh38, 1-based): chr12:101,830,599, C>T on the plus strand (G>A on the coding strand, the complement: GNPTAB is on the minus strand). VCF-style: chr12-101830599-C-T. GRCh37 (hg19) VCF-style: chr12-102224377-C-T.
Other names: short protein forms G26D.
Identifiers: ClinVar variation 2582835 (VCV002582835.2), dbSNP rs747570832, ClinGen allele CA386486948.